The following is an entry in ClinVar:

NM_001148.6(ANK2):c.11720A>G (p.Tyr3907Cys)

Gene: ANK2 (ankyrin 2; plus strand). Cytogenetic location: 4q26.
Variant type: single nucleotide variant.
Coding change: c.11720A>G on transcript NM_001148.6 (MANE Select); coding-DNA position 11720, A replaced by G.
Protein change: p.Tyr3907Cys; replaces tyrosine 3907 with cysteine.
Molecular consequence: missense variant. On other transcripts: intron variant (9).
Genome position (GRCh38, 1-based): chr4:113,373,310, A>G. VCF-style: chr4-113373310-A-G. GRCh37 (hg19) VCF-style: chr4-114294466-A-G.
Other names: c.5438A>G, p.Tyr1813Cys (NM_001127493.3); c.5435A>G, p.Tyr1812Cys (NM_001354252.2); c.5240A>G, p.Tyr1747Cys (NM_001354253.2, NM_001354270.2); c.5414A>G, p.Tyr1805Cys (NM_001354254.2); c.5402A>G, p.Tyr1801Cys (NM_001354255.2); c.5399A>G, p.Tyr1800Cys (NM_001354256.2, NM_001386161.1); c.5204A>G, p.Tyr1735Cys (NM_001354257.2, NM_001386156.1); c.5366A>G, p.Tyr1789Cys (NM_001354258.2); and 50 more; short protein forms Y1722C, Y1727C, Y1735C, Y1764C, Y1767C, Y1775C, Y1788C, Y1800C.
Identifiers: ClinVar variation 3723509 (VCV003723509.2).

ClinVar aggregate classification (germline): Uncertain significance (1 of 4 stars; one submission).

Conditions:
Long QT syndrome (LQTS). Identifiers: MedGen C0023976, MeSH D008133, MONDO:0002442. Disease mechanism: loss of function. Inheritance: Various modes of inheritance.

Submission:

Labcorp Genetics (formerly Invitae), Labcorp
Classification: Uncertain significance for Long QT syndrome. Last evaluated: 2024-10-22. Review status: criteria provided, single submitter. Criteria: Invitae Variant Classification Sherloc (09022015). Collection method: clinical testing. Allele origin: germline.
Comment: This sequence change replaces tyrosine, which is neutral and polar, with cysteine, which is neutral and slightly polar, at codon 3907 of the ANK2 protein (p.Tyr3907Cys). This variant is not present in population databases (gnomAD no frequency). This variant has not been reported in the literature in individuals affected with ANK2-related conditions. An algorithm developed to predict the effect of missense changes on protein structure and function (PolyPhen-2) suggests that this variant is likely to be disruptive. In summary, the available evidence is currently insufficient to determine the role of this variant in disease. Therefore, it has been classified as a Variant of Uncertain Significance.